The following is an entry in ClinVar:

ClinVar aggregate classification (germline): Likely pathogenic (1 of 4 stars; one submission).

Conditions:
Cystic fibrosis (CF). Also called: MUCOVISCIDOSIS. Identifiers: Orphanet 586, MedGen C0010674, MONDO:0009061, OMIM 219700. Disease mechanism: loss of function.

Submission:

Myriad Genetics, Inc.
Classification: Likely pathogenic for Cystic fibrosis. Last evaluated: 2019-12-28. Review status: criteria provided, single submitter. Criteria: Myriad Women's Health Autosomal Recessive and X-Linked Classification Criteria (2019). Collection method: clinical testing. Allele origin: unknown.
Comment: NM_000492.3(CFTR):c.1861G>T(E621*) is expected to be pathogenic in the context of cystic fibrosis. This variant is predicted to lead to an abnormal or absent protein product due to the creation of a premature termination codon in CFTR, a gene where loss-of-function variants are known to be pathogenic. Please note: this variant was assessed in the context of healthy population screening.

NM_000492.4(CFTR):c.1861G>T (p.Glu621Ter)

Gene: CFTR (CF transmembrane conductance regulator; plus strand). Cytogenetic location: 7q31.2.
Variant type: single nucleotide variant.
Coding change: c.1861G>T on transcript NM_000492.4 (MANE Select); coding-DNA position 1861, G replaced by T.
Protein change: p.Glu621Ter; replaces glutamic acid 621 with a stop codon.
Molecular consequence: nonsense.
Genome position (GRCh38, 1-based): chr7:117,592,028, G>T. VCF-style: chr7-117592028-G-T. GRCh37 (hg19) VCF-style: chr7-117232082-G-T.
Other names: short protein forms E621*.
Identifiers: ClinVar variation 983577 (VCV000983577.3), dbSNP rs1792033327, ClinGen allele CA368978491.